The following is an entry in ClinVar:

NM_007347.5(AP4E1):c.223A>C (p.Lys75Gln)

Gene: AP4E1 (adaptor related protein complex 4 subunit epsilon 1; plus strand). Cytogenetic location: 15q21.2.
Variant type: single nucleotide variant.
Coding change: c.223A>C on transcript NM_007347.5 (MANE Select); coding-DNA position 223, A replaced by C.
Protein change: p.Lys75Gln; replaces lysine 75 with glutamine.
Molecular consequence: missense variant. On other transcripts: 5 prime UTR variant (1).
Genome position (GRCh38, 1-based): chr15:50,915,448, A>C. VCF-style: chr15-50915448-A-C. GRCh37 (hg19) VCF-style: chr15-51207645-A-C.
Other names: c.-3A>C (NM_001252127.2); short protein forms K75Q.
Identifiers: ClinVar variation 527994 (VCV000527994.8), dbSNP rs768026274, ClinGen allele CA7558702.

ClinVar aggregate classification (germline): Uncertain significance (1 of 4 stars; one submission).

Conditions:
Spastic paraplegia. Identifiers: MedGen C0037772, HP:0001258.

Allele frequency attached by ClinVar (database versions not stated): TOPMed below 0.00001; gnomAD exomes below 0.00001 and 0.00002; ExAC 0.00002.
gnomAD v4.1: 6 of 1,612,710 alleles (0.00037%); highest among the groups gnomAD compares: East Asian, 0.013%; no homozygotes.

Submission:

Labcorp Genetics (formerly Invitae), Labcorp
Classification: Uncertain significance for Spastic paraplegia. Last evaluated: 2024-04-16. Review status: criteria provided, single submitter. Criteria: Invitae Variant Classification Sherloc (09022015). Collection method: clinical testing. Allele origin: germline.
Comment: This sequence change replaces lysine, which is basic and polar, with glutamine, which is neutral and polar, at codon 75 of the AP4E1 protein (p.Lys75Gln). This variant is present in population databases (rs768026274, gnomAD 0.02%). This variant has not been reported in the literature in individuals affected with AP4E1-related conditions. ClinVar contains an entry for this variant (Variation ID: 527994). An algorithm developed to predict the effect of missense changes on protein structure and function (PolyPhen-2) suggests that this variant is likely to be disruptive. Algorithms developed to predict the effect of sequence changes on RNA splicing suggest that this variant may create or strengthen a splice site. In summary, the available evidence is currently insufficient to determine the role of this variant in disease. Therefore, it has been classified as a Variant of Uncertain Significance.